The following is an entry in ClinVar:

ClinVar aggregate classification (germline): Conflicting classifications of pathogenicity. Review status: criteria provided, conflicting classifications (1 of 4 stars). 6 submissions from 6 submitters: Uncertain significance (4); Benign (1); Likely benign (1). Last evaluated 2025-11-17.

Conditions:
Familial medullary thyroid carcinoma (MTC). Also called: Familial Medullary Thyroid Carcinoma (FMTC); Thyroid cancer, familial medullary; MTC, familial. Identifiers: Orphanet 653, Orphanet 99361, MedGen C1833921, MONDO:0007958, OMIM 155240.
Pheochromocytoma. Also called: MAX-Related Hereditary Paraganglioma-Pheochromocytoma Syndrome. Identifiers: Orphanet 29072, MedGen C0031511, MONDO:0008233, OMIM 171300, HP:0002666.
Multiple endocrine neoplasia type 2A. Also called: Multiple Endocrine Neoplasia Type 2A (MEN2A); MULTIPLE ENDOCRINE NEOPLASIA, TYPE IIA; PTC SYNDROME; SIPPLE SYNDROME; MEN 2A; MEN-2A syndrome. Identifiers: Orphanet 247698, Orphanet 653, MedGen C0025268, MeSH D018813, MONDO:0008234, OMIM 171400.
Hirschsprung disease, susceptibility to, 1 (HSCR1). Also called: RET-Related Hirschsprung Disease. Identifiers: Orphanet 388, MedGen C3888239, MONDO:0007723, OMIM 142623.
Multiple endocrine neoplasia type 2B. Also called: WAGENMANN-FROBOESE SYNDROME; MULTIPLE ENDOCRINE NEOPLASIA, TYPE III; MUCOSAL NEUROMA SYNDROME; Multiple Endocrine Neoplasia Type 2B (MEN2B); Multiple endocrine neoplasia, type 3; MULTIPLE ENDOCRINE NEOPLASIA, TYPE IIB. Identifiers: Orphanet 247709, Orphanet 653, MedGen C0025269, MeSH D018814, MONDO:0008082, OMIM 162300.
Multiple endocrine neoplasia, type 2 (MEN2). Identifiers: Orphanet 653, MedGen C4048306, MONDO:0019003. Disease mechanism: gain of function.
Hereditary cancer-predisposing syndrome. Also called: Hereditary Cancer Syndrome; Hereditary neoplastic syndrome; Tumor predisposition; Neoplastic Syndromes, Hereditary. Identifiers: Orphanet 140162, MedGen C0027672, MeSH D009386, MONDO:0015356.

Allele frequency attached by ClinVar (database versions not stated): gnomAD 0.00001; TOPMed 0.00001.
gnomAD v4.1: 28 of 1,611,802 alleles (0.0017%); highest among the groups gnomAD compares: Non-Finnish European, 0.0023%; no homozygotes.

Submissions (6):

Labcorp Genetics (formerly Invitae), Labcorp
Classification: Uncertain significance for Multiple endocrine neoplasia, type 2. Last evaluated: 2025-11-17. Review status: criteria provided, single submitter. Criteria: Invitae Variant Classification Sherloc (09022015). Collection method: clinical testing. Allele origin: germline.
Comment: This sequence change replaces isoleucine, which is neutral and non-polar, with valine, which is neutral and non-polar, at codon 669 of the RET protein (p.Ile669Val). This variant is present in population databases (rs776986585, gnomAD 0.005%). This variant has not been reported in the literature in individuals affected with RET-related conditions. ClinVar contains an entry for this variant (Variation ID: 486308). An algorithm developed to predict the effect of missense changes on protein structure and function outputs the following: PolyPhen-2: "Benign". The valine amino acid residue is found in multiple mammalian species, which suggests that this missense change does not adversely affect protein function. In summary, the available evidence is currently insufficient to determine the role of this variant in disease. Therefore, it has been classified as a Variant of Uncertain Significance.

Myriad Genetics, Inc.
Classification: Likely benign for Multiple endocrine neoplasia type 2A. Last evaluated: 2025-02-26. Review status: criteria provided, single submitter. Criteria: Myriad Autosomal Dominant, Autosomal Recessive and X-Linked Classification Criteria (2023). Collection method: clinical testing. Allele origin: unknown.
Comment: This variant is considered likely benign. This variant has been observed at a population frequency that is significantly greater than expected given the associated disease prevalence and penetrance.

Fulgent Genetics
Classification: Uncertain significance for Hirschsprung disease, susceptibility to, 1; Familial medullary thyroid carcinoma; Multiple endocrine neoplasia type 2B; Pheochromocytoma; Multiple endocrine neoplasia type 2A. Last evaluated: 2024-02-06. Review status: criteria provided, single submitter. Criteria: ACMG Guidelines, 2015. Collection method: clinical testing. Allele origin: germline.

Color Diagnostics, LLC DBA Color Health
Classification: Uncertain significance for Multiple endocrine neoplasia, type 2. Last evaluated: 2023-11-15. Review status: criteria provided, single submitter. Criteria: ACMG Guidelines, 2015. Collection method: clinical testing. Allele origin: germline.
Comment: This missense variant replaces isoleucine with valine at codon 669 of the RET protein. Computational prediction suggests that this variant may not impact protein structure and function. To our knowledge, functional studies have not been reported for this variant. This variant has not been reported in individuals affected with RET-related disorders in the literature. This variant has been identified in 6/250902 chromosomes in the general population by the Genome Aggregation Database (gnomAD). The available evidence is insufficient to determine the role of this variant in disease conclusively. Therefore, this variant is classified as a Variant of Uncertain Significance.

GeneDx
Classification: Uncertain significance. Last evaluated: 2023-04-13. Review status: criteria provided, single submitter. Criteria: GeneDx Variant Classification Process June 2021. Collection method: clinical testing. Allele origin: germline. Affected: yes.
Comment: Has not been previously published as pathogenic or benign to our knowledge; In silico analysis supports that this missense variant does not alter protein structure/function; This variant is associated with the following publications: (PMID: 14633923)

Ambry Genetics
Classification: Benign for Hereditary cancer-predisposing syndrome. Last evaluated: 2022-02-28. Review status: criteria provided, single submitter. Criteria: Ambry Variant Classification Scheme 2023. Collection method: clinical testing. Allele origin: germline.

NM_020975.6(RET):c.2005A>G (p.Ile669Val)

Gene: RET (ret proto-oncogene; plus strand). Cytogenetic location: 10q11.21.
Variant type: single nucleotide variant.
Coding change: c.2005A>G on transcript NM_020975.6 (MANE Select); coding-DNA position 2005, A replaced by G.
Protein change: p.Ile669Val; replaces isoleucine 669 with valine.
Molecular consequence: missense variant.
Genome position (GRCh38, 1-based): chr10:43,114,605, A>G. VCF-style: chr10-43114605-A-G. GRCh37 (hg19) VCF-style: chr10-43610053-A-G.
Other names: c.2005A>G, p.Ile669Val (NM_000323.2, NM_001406743.1, NM_001406744.1 and 4 more transcripts); c.1243A>G, p.Ile415Val (NM_001355216.2); c.1876A>G, p.Ile626Val (NM_001406761.1, NM_001406762.1, NM_001406764.1); c.1717A>G, p.Ile573Val (NM_001406766.1, NM_001406767.1, NM_001406770.1); c.1609A>G, p.Ile537Val (NM_001406769.1, NM_001406772.1); c.1567A>G, p.Ile523Val (NM_001406771.1, NM_001406773.1); c.1480A>G, p.Ile494Val (NM_001406774.1); c.988A>G, p.Ile330Val (NM_001406785.1); and 7 more; short protein forms I669V, I415V, I234V, I330V, I370V, I523V, I537V, I573V.
Identifiers: ClinVar variation 486308 (VCV000486308.14), dbSNP rs776986585, ClinGen allele CA036871.
Genomic context (GRCh38, chr10:43,114,605, plus strand): 5'-TCGGTGCTGCTGTCTGCCTTCTGCATCCACTGCTACCACAAGTTTGCCCACAAGCCACCC[A>G]TCTCCTCAGCTGAGATGACCTTCCGGAGGCCCGCCCAGGCCTTCCCGGTCAGCTACTCCT-3'
Protein context (NP_066124.1, residues 659-679): CYHKFAHKPP[Ile669Val]SSAEMTFRRP